The following is an entry in ClinVar:

ClinVar aggregate classification (germline): Uncertain significance (1 of 4 stars; one submission).

Conditions:
Renal cell carcinoma. Identifiers: Orphanet 217071, MedGen C0007134, MeSH D002292, MONDO:0005086, HP:0005584.

Submission:

Labcorp Genetics (formerly Invitae), Labcorp
Classification: Uncertain significance for Renal cell carcinoma. Last evaluated: 2021-04-05. Review status: criteria provided, single submitter. Criteria: Invitae Variant Classification Sherloc (09022015). Collection method: clinical testing. Allele origin: germline.
Comment: This sequence change replaces glutamine with lysine at codon 1035 of the MET protein (p.Gln1035Lys). The glutamine residue is highly conserved and there is a small physicochemical difference between glutamine and lysine. In summary, the available evidence is currently insufficient to determine the role of this variant in disease. Therefore, it has been classified as a Variant of Uncertain Significance. Experimental studies and prediction algorithms are not available or were not evaluated, and the functional significance of this variant is currently unknown. This variant has not been reported in the literature in individuals with MET-related conditions. The frequency data for this variant in the population databases is not available, as this variant may be reported as separate entries in the ExAC database.

NM_000245.4(MET):c.3048_3049delinsAA (p.Gln1017Lys)

Gene: MET (MET proto-oncogene, receptor tyrosine kinase; plus strand). Cytogenetic location: 7q31.2.
Variant type: Indel.
Coding change: c.3048_3049delinsAA on transcript NM_000245.4 (MANE Select); coding-DNA positions 3048 to 3049, TC replaced by AA.
Protein change: p.Gln1017Lys; replaces glutamine 1017 with lysine.
Molecular consequence: missense variant.
Genome position (GRCh38, 1-based): chr7:116,774,900-116,774,901, TC replaced by AA. VCF-style: chr7-116774900-TC-AA. GRCh37 (hg19) VCF-style: chr7-116414954-TC-AA.
Other names: c.3102_3103delinsAA, p.Gln1035Lys (NM_001127500.3); c.1758_1759delinsAA, p.Gln587Lys (NM_001324402.2); short protein forms Q587K, Q1017K, Q1035K.
Identifiers: ClinVar variation 1385140 (VCV001385140.6), dbSNP rs2117029651, ClinGen allele CA2573141523.
Genomic context (GRCh38, chr7:116,774,900, plus strand): 5'-GTTTTACTGTTGTTCTTTAATAATTTTCCTTCATCTTACAGATCAGTTTCCTAATTCATC[TC>AA]AGAACGGTTCATGCCGACAAGTGCAGTATCCTCTGACAGACATGTCCCCCATCCTAACTA-3'
Protein context (NP_000236.2, residues 1007-1027): FPEDQFPNSS[Gln1017Lys]NGSCRQVQYP